The following is an entry in ClinVar:

NM_005188.4(CBL):c.2399T>G (p.Phe800Cys)

Gene: CBL (Cbl proto-oncogene; plus strand). Cytogenetic location: 11q23.3.
Variant type: single nucleotide variant.
Coding change: c.2399T>G on transcript NM_005188.4 (MANE Select); coding-DNA position 2399, T replaced by G.
Protein change: p.Phe800Cys; replaces phenylalanine 800 with cysteine.
Molecular consequence: missense variant.
Genome position (GRCh38, 1-based): chr11:119,298,505, T>G. VCF-style: chr11-119298505-T-G. GRCh37 (hg19) VCF-style: chr11-119169215-T-G.
Other names: c.2399T>G (NM_005188.2); short protein forms F800C.
Identifiers: ClinVar variation 880188 (VCV000880188.10), dbSNP rs1285510326, ClinGen allele CA382930119.

ClinVar aggregate classification (germline): Uncertain significance. Review status: criteria provided, multiple submitters, no conflicts (2 of 4 stars). 3 submissions from 3 submitters: Uncertain significance (3). Last evaluated 2026-01-21.

Conditions:
Cardiovascular phenotype. Identifiers: MedGen CN230736.
CBL-related disorder. Also called: NOONAN SYNDROME-LIKE DISORDER WITHOUT JUVENILE MYELOMONOCYTIC LEUKEMIA; CBL MUTATION-ASSOCIATED SYNDROME; CBL SYNDROME. Identifiers: Orphanet 363972, MedGen C3150803, MONDO:0013308, OMIM 613563.
RASopathy. Also called: Noonan spectrum disorder; rasopathies. Identifiers: Orphanet 536391, MedGen C5555857, MONDO:0021060.

Allele frequency attached by ClinVar (database versions not stated): TOPMed 0.00001.
gnomAD v4.1: 15 of 1,614,214 alleles (0.00093%); highest among the groups gnomAD compares: Non-Finnish European, 0.0013%; no homozygotes.

Submissions (3):

Labcorp Genetics (formerly Invitae), Labcorp
Classification: Uncertain significance for RASopathy. Last evaluated: 2026-01-21. Review status: criteria provided, single submitter. Criteria: Invitae Variant Classification Sherloc (09022015). Collection method: clinical testing. Allele origin: germline.
Comment: This sequence change replaces phenylalanine, which is neutral and non-polar, with cysteine, which is neutral and slightly polar, at codon 800 of the CBL protein (p.Phe800Cys). This variant is not present in population databases (gnomAD no frequency). This variant has not been reported in the literature in individuals affected with CBL-related conditions. ClinVar contains an entry for this variant (Variation ID: 880188). Invitae Evidence Modeling of protein sequence and biophysical properties (such as structural, functional, and spatial information, amino acid conservation, physicochemical variation, residue mobility, and thermodynamic stability) indicates that this missense variant is not expected to disrupt CBL protein function with a negative predictive value of 95%. In summary, the available evidence is currently insufficient to determine the role of this variant in disease. Therefore, it has been classified as a Variant of Uncertain Significance.

Ambry Genetics
Classification: Uncertain significance for Cardiovascular phenotype. Last evaluated: 2025-01-29. Review status: criteria provided, single submitter. Criteria: Ambry Variant Classification Scheme 2023. Collection method: clinical testing. Allele origin: germline.
Comment: The p.F800C variant (also known as c.2399T>G), located in coding exon 15 of the CBL gene, results from a T to G substitution at nucleotide position 2399. The phenylalanine at codon 800 is replaced by cysteine, an amino acid with highly dissimilar properties. This amino acid position is conserved. In addition, the in silico prediction for this alteration is inconclusive. Based on the available evidence, the clinical significance of this variant remains unclear.

Illumina Laboratory Services, Illumina
Classification: Uncertain significance for CBL-related disorder. Last evaluated: 2017-04-27. Review status: criteria provided, single submitter. Criteria: ICSL Variant Classification Criteria 13 December 2019. Collection method: clinical testing. Allele origin: germline.